The following is an entry in ClinVar:

NM_007194.4(CHEK2):c.320-2del

Gene: CHEK2 (checkpoint kinase 2; minus strand). Cytogenetic location: 22q12.1.
Variant type: Deletion.
Coding change: c.320-2del on transcript NM_007194.4 (MANE Select); the canonical splice acceptor site of the intron before coding-DNA position 320, one base deleted (A; older notation c.320-2delA).
Molecular consequence: splice acceptor variant.
Genome position (GRCh38, 1-based): chr22:28,725,369, T deleted on the plus strand (A on the coding strand, the reverse complement: CHEK2 is on the minus strand). VCF-style (leftmost placement, unchanged base first): chr22-28725368-CT-C. GRCh37 (hg19) VCF-style: chr22-29121356-CT-C.
Other names: c.-344-2del (NM_001437942.1); c.320-2del (NM_001349956.3, NM_145862.3); c.-458-2del (NM_001257387.3); c.413-2del (NM_001438295.1, NM_001438293.1); c.449-2del (NM_001438294.1, NM_001005735.3).
Identifiers: ClinVar variation 2841207 (VCV002841207.3), dbSNP rs2518061916, ClinGen allele CA2739265691.

ClinVar aggregate classification (germline): Likely pathogenic (1 of 4 stars; one submission).

Conditions:
Familial cancer of breast. Also called: hereditary breast carcinoma; BREAST CANCER, FAMILIAL; Hereditary breast cancer. Identifiers: Orphanet 227535, MedGen C0346153, MONDO:0016419, OMIM 114480. Disease mechanism: loss of function.

Submission:

Labcorp Genetics (formerly Invitae), Labcorp
Classification: Likely pathogenic for Familial cancer of breast. Last evaluated: 2023-04-24. Review status: criteria provided, single submitter. Criteria: Invitae Variant Classification Sherloc (09022015). Collection method: clinical testing. Allele origin: germline.
Comment: In summary, the currently available evidence indicates that the variant is pathogenic, but additional data are needed to prove that conclusively. Therefore, this variant has been classified as Likely Pathogenic. Studies have shown that disruption of this splice site results in skipping of exon 3 and introduces a premature termination codon (Invitae). The resulting mRNA is expected to undergo nonsense-mediated decay. This variant has not been reported in the literature in individuals affected with CHEK2-related conditions. This variant is not present in population databases (gnomAD no frequency). This sequence change affects a splice site in intron 2 of the CHEK2 gene. RNA analysis indicates that disruption of this splice site induces altered splicing and may result in an absent or disrupted protein product.